The following is an entry in ClinVar:

ClinVar aggregate classification (germline): Uncertain significance (1 of 4 stars; one submission).

Submission:

Labcorp Genetics (formerly Invitae), Labcorp
Classification: Uncertain significance. Last evaluated: 2019-03-20. Review status: criteria provided, single submitter. Criteria: Invitae Variant Classification Sherloc (09022015). Collection method: clinical testing. Allele origin: germline.
Comment: In summary, the available evidence is currently insufficient to determine the role of this variant in disease. Therefore, it has been classified as a Variant of Uncertain Significance. Algorithms developed to predict the effect of missense changes on protein structure and function (SIFT, PolyPhen-2, Align-GVGD) all suggest that this variant is likely to be tolerated, but these predictions have not been confirmed by published functional studies and their clinical significance is uncertain. This variant has not been reported in the literature in individuals with NTHL1-related conditions. This variant is not present in population databases (ExAC no frequency). This sequence change replaces glutamic acid with valine at codon 268 of the NTHL1 protein (p.Glu268Val). The glutamic acid residue is weakly conserved and there is a moderate physicochemical difference between glutamic acid and valine.

NM_002528.7(NTHL1):c.779A>T (p.Glu260Val)

Gene: NTHL1 (nth like DNA glycosylase 1; minus strand). Cytogenetic location: 16p13.3.
Variant type: single nucleotide variant.
Coding change: c.779A>T on transcript NM_002528.7 (MANE Select); coding-DNA position 779, A replaced by T.
Protein change: p.Glu260Val; replaces glutamic acid 260 with valine.
Molecular consequence: missense variant.
Genome position (GRCh38, 1-based): chr16:2,040,145, T>A on the plus strand (A>T on the coding strand, the complement: NTHL1 is on the minus strand). VCF-style: chr16-2040145-T-A. GRCh37 (hg19) VCF-style: chr16-2090146-T-A.
Other names: c.608A>T, p.Glu203Val (NM_001318193.2); c.449A>T, p.Glu150Val (NM_001318194.2); short protein forms E150V, E203V, E260V.
Identifiers: ClinVar variation 848127 (VCV000848127.8), dbSNP rs2084241395, ClinGen allele CA394288692.